The following is an entry in ClinVar:

NM_014633.5(CTR9):c.3239G>A (p.Arg1080Gln)

Gene: CTR9 (CTR9 component of Paf1/RNA polymerase II complex; plus strand). Cytogenetic location: 11p15.4.
Variant type: single nucleotide variant.
Coding change: c.3239G>A on transcript NM_014633.5 (MANE Select); coding-DNA position 3239, G replaced by A.
Protein change: p.Arg1080Gln; replaces arginine 1080 with glutamine.
Molecular consequence: missense variant.
Genome position (GRCh38, 1-based): chr11:10,778,822, G>A. VCF-style: chr11-10778822-G-A. GRCh37 (hg19) VCF-style: chr11-10800369-G-A.
Other names: c.3167G>A, p.Arg1056Gln (NM_001346279.2); short protein forms R1080Q, R1056Q.
Identifiers: ClinVar variation 2172726 (VCV002172726.4), dbSNP rs577509605, ClinGen allele CA5885550.

ClinVar aggregate classification (germline): Uncertain significance (1 of 4 stars; one submission).

Allele frequency attached by ClinVar (database versions not stated): TOPMed below 0.00001; gnomAD 0.00001; 1000 Genomes Project 0.00020; 1000 Genomes Project 30x 0.00031.

Submission:

Labcorp Genetics (formerly Invitae), Labcorp
Classification: Uncertain significance. Last evaluated: 2024-07-24. Review status: criteria provided, single submitter. Criteria: Invitae Variant Classification Sherloc (09022015). Collection method: clinical testing. Allele origin: germline.
Comment: This sequence change replaces arginine, which is basic and polar, with glutamine, which is neutral and polar, at codon 1080 of the CTR9 protein (p.Arg1080Gln). This variant is present in population databases (rs577509605, gnomAD 0.007%). This variant has not been reported in the literature in individuals affected with CTR9-related conditions. ClinVar contains an entry for this variant (Variation ID: 2172726). An algorithm developed to predict the effect of missense changes on protein structure and function outputs the following: PolyPhen-2: "Benign". The glutamine amino acid residue is found in multiple mammalian species, which suggests that this missense change does not adversely affect protein function. In summary, the available evidence is currently insufficient to determine the role of this variant in disease. Therefore, it has been classified as a Variant of Uncertain Significance.